The following is an entry in ClinVar:

NM_007194.4(CHEK2):c.539G>T (p.Arg180Leu)

Gene: CHEK2 (checkpoint kinase 2; minus strand). Cytogenetic location: 22q12.1.
Variant type: single nucleotide variant.
Coding change: c.539G>T on transcript NM_007194.4 (MANE Select); coding-DNA position 539, G replaced by T.
Protein change: p.Arg180Leu; replaces arginine 180 with leucine.
Molecular consequence: missense variant. On other transcripts: 5 prime UTR variant (2), intron variant (1).
Genome position (GRCh38, 1-based): chr22:28,725,030, C>A on the plus strand (G>T on the coding strand, the complement: CHEK2 is on the minus strand). VCF-style: chr22-28725030-C-A. GRCh37 (hg19) VCF-style: chr22-29121018-C-A.
Other names: c.668G>T, p.Arg223Leu (NM_001005735.3, NM_001438294.1); c.-239G>T (NM_001257387.3); c.-125G>T (NM_001437942.1); c.632G>T, p.Arg211Leu (NM_001438293.1, NM_001438295.1); c.539G>T, p.Arg180Leu (NM_145862.3); c.445-107G>T (NM_001349956.3); short protein forms R180L, R223L, R211L.
Identifiers: ClinVar variation 489883 (VCV000489883.16), dbSNP rs137853009, ClinGen allele CA411107218.

ClinVar aggregate classification (germline): Uncertain significance. Review status: criteria provided, multiple submitters, no conflicts (2 of 4 stars). 3 submissions from 3 submitters: Uncertain significance (3). Last evaluated 2026-03-12.

Conditions:
Hereditary cancer-predisposing syndrome. Also called: Tumor predisposition; Hereditary Cancer Syndrome; Neoplastic Syndromes, Hereditary; Hereditary neoplastic syndrome. Identifiers: Orphanet 140162, MedGen C0027672, MeSH D009386, MONDO:0015356.
Familial cancer of breast. Also called: Hereditary breast cancer; BREAST CANCER, FAMILIAL; hereditary breast carcinoma. Identifiers: Orphanet 227535, MedGen C0346153, MONDO:0016419, OMIM 114480. Disease mechanism: loss of function.

gnomAD v4.1: 4 of 1,613,908 alleles (0.00025%); highest among the groups gnomAD compares: Non-Finnish European, 0.00034%; no homozygotes.

Submissions (3):

Ambry Genetics
Classification: Uncertain significance for Hereditary cancer-predisposing syndrome. Last evaluated: 2026-03-12. Review status: criteria provided, single submitter. Criteria: Ambry Variant Classification Scheme 2023. Collection method: clinical testing. Allele origin: germline.
Comment: The p.R180L variant (also known as c.539G>T), located in coding exon 3 of the CHEK2 gene, results from a G to T substitution at nucleotide position 539. The arginine at codon 180 is replaced by leucine, an amino acid with dissimilar properties. This variant was reported as functional in a study assessing CHEK2-complementation through quantification of KAP1 phosphorylation and CHK2 autophosphorylation in human RPE1-CHEK2-knockout cells (Stolarova L et al. Clin Cancer Res, 2023 Aug;29:3037-3050). This amino acid position is highly conserved in available vertebrate species. In addition, this alteration is predicted to be deleterious by in silico analysis. Based on the available evidence, the clinical significance of this variant remains unclear.

Labcorp Genetics (formerly Invitae), Labcorp
Classification: Uncertain significance for Familial cancer of breast. Last evaluated: 2023-03-26. Review status: criteria provided, single submitter. Criteria: Invitae Variant Classification Sherloc (09022015). Collection method: clinical testing. Allele origin: germline.
Comment: In summary, the available evidence is currently insufficient to determine the role of this variant in disease. Therefore, it has been classified as a Variant of Uncertain Significance. An algorithm developed to predict the effect of missense changes on protein structure and function (PolyPhen-2) suggests that this variant is likely to be tolerated. ClinVar contains an entry for this variant (Variation ID: 489883). This variant has not been reported in the literature in individuals affected with CHEK2-related conditions. This variant is present in population databases (no rsID available, gnomAD 0.0009%). This sequence change replaces arginine, which is basic and polar, with leucine, which is neutral and non-polar, at codon 180 of the CHEK2 protein (p.Arg180Leu).

Color Diagnostics, LLC DBA Color Health
Classification: Uncertain significance for Hereditary cancer-predisposing syndrome. Last evaluated: 2019-03-18. Review status: criteria provided, single submitter. Criteria: ACMG Guidelines, 2015. Collection method: clinical testing. Allele origin: germline.

Literature cited by the submitters: PubMed 37449874 (cited by Ambry Genetics).